The following is an entry in ClinVar:

ClinVar aggregate classification (germline): Uncertain significance (1 of 4 stars; one submission).

Conditions:
X-linked lymphoproliferative disease due to XIAP deficiency. Also called: XIAP-Related Lymphoproliferative Disease, X-Linked; XIAP DEFICIENCY. Identifiers: Orphanet 2442, Orphanet 538934, MedGen C1845076, MONDO:0010385, OMIM 300635.

Submission:

Labcorp Genetics (formerly Invitae), Labcorp
Classification: Uncertain significance for X-linked lymphoproliferative disease due to XIAP deficiency. Last evaluated: 2023-12-06. Review status: criteria provided, single submitter. Criteria: Invitae Variant Classification Sherloc (09022015). Collection method: clinical testing. Allele origin: unknown.
Comment: This variant results in a copy number gain of the genomic region encompassing exon(s) 1-2 of the XIAP gene. This region includes the initiator codon of the gene. This copy number gain extends beyond the assayed region for this gene and therefore may encompass additional genes. As the precise location of this event is unknown, it may be in tandem or it may be located elsewhere in the genome. This variant has not been reported in the literature in individuals affected with XIAP-related conditions. Experimental studies and prediction algorithms are not available or were not evaluated, and the functional significance of this variant is currently unknown. In summary, the available evidence is currently insufficient to determine the role of this variant in disease. Therefore, it has been classified as a Variant of Uncertain Significance.

NC_000023.10:g.(?_122459857)_(123020409_?)dup

Genes: XIAP (X-linked inhibitor of apoptosis; plus strand), THOC2 (THO complex subunit 2; minus strand), GRIA3 (glutamate ionotropic receptor AMPA type subunit 3; plus strand). Cytogenetic location: Xq25.
Variant type: Duplication.
Identifiers: ClinVar variation 3244573 (VCV003244573.1).